The following is an entry in ClinVar:

NM_001080432.3(FTO):c.899A>G (p.Asp300Gly)

Gene: FTO (FTO alpha-ketoglutarate dependent dioxygenase; plus strand). Cytogenetic location: 16q12.2.
Variant type: single nucleotide variant.
Coding change: c.899A>G on transcript NM_001080432.3 (MANE Select); coding-DNA position 899, A replaced by G.
Protein change: p.Asp300Gly; replaces aspartic acid 300 with glycine.
Molecular consequence: missense variant.
Genome position (GRCh38, 1-based): chr16:53,873,789, A>G. VCF-style: chr16-53873789-A-G. GRCh37 (hg19) VCF-style: chr16-53907701-A-G.
Other names: c.929A>G, p.Asp310Gly (NM_001363891.2, NM_001363898.2); c.899A>G, p.Asp300Gly (NM_001363894.2, NM_001363896.2, NM_001363988.2 and 2 more transcripts); c.821A>G, p.Asp274Gly (NM_001363897.2); c.386A>G, p.Asp129Gly (NM_001363905.2); c.785A>G, p.Asp262Gly (NM_001363899.2); c.755A>G, p.Asp252Gly (NM_001363901.2); short protein forms D129G, D252G, D274G, D310G, D300G, D262G.
Identifiers: ClinVar variation 1378165 (VCV001378165.6), dbSNP rs2151879431, ClinGen allele CA396120215.

ClinVar aggregate classification (germline): Uncertain significance (1 of 4 stars; one submission).

gnomAD v4.1: 1 of 1,612,634 alleles (0.000062%); highest among the groups gnomAD compares: East Asian, 0.0022%; no homozygotes.

Submission:

Labcorp Genetics (formerly Invitae), Labcorp
Classification: Uncertain significance. Last evaluated: 2022-07-26. Review status: criteria provided, single submitter. Criteria: Invitae Variant Classification Sherloc (09022015). Collection method: clinical testing. Allele origin: germline.
Comment: ClinVar contains an entry for this variant (Variation ID: 1378165). This variant has not been reported in the literature in individuals affected with FTO-related conditions. This variant is not present in population databases (gnomAD no frequency). This sequence change replaces aspartic acid, which is acidic and polar, with glycine, which is neutral and non-polar, at codon 300 of the FTO protein (p.Asp300Gly). Algorithms developed to predict the effect of missense changes on protein structure and function are either unavailable or do not agree on the potential impact of this missense change (SIFT: "Deleterious"; PolyPhen-2: "Possibly Damaging"; Align-GVGD: "Class C0"). In summary, the available evidence is currently insufficient to determine the role of this variant in disease. Therefore, it has been classified as a Variant of Uncertain Significance.